The following is an entry in ClinVar:

ClinVar aggregate classification (germline): Likely pathogenic (1 of 4 stars; one submission).

Conditions:
Stickler syndrome, type 4 (STL4). Identifiers: Orphanet 250984, Orphanet 828, MedGen C3279941, MONDO:0013590, OMIM 614134.

Submission:

Genetics and Molecular Pathology, SA Pathology
Classification: Likely pathogenic for Stickler syndrome, type 4. Last evaluated: 2023-03-21. Review status: criteria provided, single submitter. Criteria: ACMG Guidelines, 2015. Collection method: clinical testing. Allele origin: germline. Inheritance: Autosomal recessive inheritance. Affected: yes.
Comment: The COL9A1 c.1450-1G>T variant is classified as LIKELY PATHOGENIC (PVS1, PM2) The COL9A1 c.1450-1G>T variant is located at the splice acceptor site. Computational predictions support a deleterious effect on splicing and a likely disruption of the protein reading frame and non-sense mediated decay of the resulting protein product (PVS1). This variant is absent from population databases (PM2). This variant has not been reported in dbSNP, ClinVar or HGMD.

NM_001851.6(COL9A1):c.1450-1G>T

Gene: COL9A1 (collagen type IX alpha 1 chain; minus strand). Cytogenetic location: 6q13.
Variant type: single nucleotide variant.
Coding change: c.1450-1G>T on transcript NM_001851.6 (MANE Select); the canonical splice acceptor site of the intron before coding-DNA position 1450, G replaced by T.
Molecular consequence: splice acceptor variant.
Genome position (GRCh38, 1-based): chr6:70,256,822, C>A on the plus strand (G>T on the coding strand, the complement: COL9A1 is on the minus strand). VCF-style: chr6-70256822-C-A. GRCh37 (hg19) VCF-style: chr6-70966525-C-A.
Other names: c.721-1G>T (NM_001377290.1, NM_078485.4, NM_001377289.1).
Identifiers: ClinVar variation 2664714 (VCV002664714.1), dbSNP rs755976129, ClinGen allele CA364678549.